The following is an entry in ClinVar:

ClinVar aggregate classification (germline): Likely pathogenic. Review status: criteria provided, single submitter (1 of 4 stars). 2 submissions from 2 submitters: Likely pathogenic (1). 1 of the submissions does not count toward it.

Conditions:
Orofaciodigital syndrome I (OFD1). Also called: OFDS I; Papillon-Leage and Psaume Syndrome; Oral-Facial-Digital Syndrome Type I. Identifiers: Orphanet 2750, MedGen C1510460, MONDO:0010702, OMIM 311200.
OFD1-related disorder. Also called: OFD1-related condition.

Submissions (2):

Institute of Human Genetics, University Hospital of Duesseldorf
Classification: Likely pathogenic for Orofaciodigital syndrome I. Review status: criteria provided, single submitter. Criteria: ACMG Guidelines, 2015. Collection method: not provided. Allele origin: germline. Inheritance: X-linked dominant inheritance. Affected: yes.

PreventionGenetics, part of Exact Sciences
Classification: Likely pathogenic for OFD1-related condition. Last evaluated: 2024-08-31. Review status: no assertion criteria provided. Collection method: clinical testing. Allele origin: germline. Not counted in ClinVar's aggregate classification.
Comment: The OFD1 c.412+2_412+5delTAGG variant is predicted to result in a deletion affecting a canonical splice site. To our knowledge, this variant has not been reported in the literature or in a large population database, indicating this variant is rare. Variants that disrupt the consensus splice donor site in OFD1 are expected to be pathogenic. This variant is interpreted as likely pathogenic.

NM_003611.3(OFD1):c.412+2_412+5del

Gene: OFD1 (OFD1 centriole and centriolar satellite protein; plus strand). Cytogenetic location: Xp22.2.
Variant type: Deletion.
Coding change: c.412+2_412+5del on transcript NM_003611.3 (MANE Select); the canonical splice donor site of the intron after coding-DNA position 412 through 5 bases into the intron after coding-DNA position 412, 4 bases deleted (TAGG; older notation c.412+2_412+5delTAGG).
Molecular consequence: splice donor variant.
Genome position (GRCh38, 1-based): chrX:13,739,034-13,739,037, TAGG deleted; deleting any 4 consecutive bases within chrX:13,739,031-13,739,037 gives the same sequence; the c. name uses the placement nearest the transcript's 3' end. VCF-style (leftmost placement, unchanged base first): chrX-13739030-AAGGT-A. GRCh37 (hg19) VCF-style: chrX-13757149-AAGGT-A.
Other names: c.412+2_412+5delTAGG (NM_003611.2); c.-134+2_-134+5del (NM_001330210.2); c.412+2_412+5del (NM_001330209.2).
Identifiers: ClinVar variation 2663852 (VCV002663852.2), dbSNP rs2518778078, ClinGen allele CA2695200154.
Genomic context (GRCh38, chrX:13,739,030, plus strand): 5'-CTGAATAAAAGTGAAATATTTTCTTTTAACAGGTTTCAGGATCTGATAAAGAAAATCAAA[AAGGT>A]AGGAGCCGTCATCTTTGTAGAGAACAGCAACAGTTTTCTATGTACTTTTTCCTCTAAAAG-3'